The following is an entry in ClinVar:

ClinVar aggregate classification (germline): Uncertain significance. Review status: criteria provided, multiple submitters, no conflicts (2 of 4 stars). 4 submissions from 4 submitters: Uncertain significance (4). Last evaluated 2024-07-02.

Conditions:
Pyridoxine-dependent epilepsy (EPEO4). Also called: Pyridoxine-Dependent Epilepsy - ALDH7A1; EPILEPSY, EARLY-ONSET, 4, VITAMIN B6-DEPENDENT; PYRIDOXINE DEPENDENCY WITH SEIZURES; Pyridoxine-Dependent Seizures. Identifiers: Orphanet 3006, MedGen C1849508, MONDO:0009945, OMIM 266100. Disease mechanism: loss of function.

Allele frequency attached by ClinVar (database versions not stated): gnomAD exomes 0.00001; TOPMed 0.00001.
gnomAD v4.1: 2 of 1,552,348 alleles (0.00013%); highest among the groups gnomAD compares: East Asian, 0.0024%; no homozygotes.

Submissions (4):

GeneDx
Classification: Uncertain significance. Last evaluated: 2024-07-02. Review status: criteria provided, single submitter. Criteria: GeneDx Variant Classification Process June 2021. Collection method: clinical testing. Allele origin: germline. Affected: yes.
Comment: Not observed at significant frequency in large population cohorts (gnomAD); In silico analysis indicates that this missense variant does not alter protein structure/function; Has not been previously published as pathogenic or benign to our knowledge

Genome-Nilou Lab
Classification: Uncertain significance for Pyridoxine-dependent epilepsy. Last evaluated: 2023-04-11. Review status: criteria provided, single submitter. Criteria: ACMG Guidelines, 2015. Collection method: clinical testing. Allele origin: germline. Affected: no.

Labcorp Genetics (formerly Invitae), Labcorp
Classification: Uncertain significance for Pyridoxine-dependent epilepsy. Last evaluated: 2021-09-01. Review status: criteria provided, single submitter. Criteria: Invitae Variant Classification Sherloc (09022015). Collection method: clinical testing. Allele origin: germline.
Comment: This sequence change replaces proline with leucine at codon 5 of the ALDH7A1 protein (p.Pro5Leu). The proline residue is weakly conserved and there is a moderate physicochemical difference between proline and leucine. This variant is not present in population databases (ExAC no frequency). This variant has not been reported in the literature in individuals affected with ALDH7A1-related conditions. Algorithms developed to predict the effect of missense changes on protein structure and function output the following: SIFT: "Tolerated"; PolyPhen-2: "Benign"; Align-GVGD: "Class C0". The leucine amino acid residue is found in multiple mammalian species, which suggests that this missense change does not adversely affect protein function. In summary, the available evidence is currently insufficient to determine the role of this variant in disease. Therefore, it has been classified as a Variant of Uncertain Significance.

Revvity Omics, Revvity
Classification: Uncertain significance for Pyridoxine-dependent epilepsy. Last evaluated: 2019-05-28. Review status: criteria provided, single submitter. Criteria: ACMG Guidelines, 2015. Collection method: clinical testing. Allele origin: germline.

NM_001182.5(ALDH7A1):c.14C>T (p.Pro5Leu)

Gene: ALDH7A1 (aldehyde dehydrogenase 7 family member A1; minus strand). Cytogenetic location: 5q23.2.
Variant type: single nucleotide variant.
Coding change: c.14C>T on transcript NM_001182.5 (MANE Select); coding-DNA position 14, C replaced by T.
Protein change: p.Pro5Leu; replaces proline 5 with leucine.
Molecular consequence: missense variant. On other transcripts: 5 prime UTR variant (1).
Genome position (GRCh38, 1-based): chr5:126,595,185, G>A on the plus strand (C>T on the coding strand, the complement: ALDH7A1 is on the minus strand). VCF-style: chr5-126595185-G-A. GRCh37 (hg19) VCF-style: chr5-125930877-G-A.
Other names: c.-71C>T (NM_001201377.2); c.14C>T, p.Pro5Leu (NM_001202404.2); short protein forms P5L.
Identifiers: ClinVar variation 842421 (VCV000842421.11), dbSNP rs977914775, ClinGen allele CA126927723.